The following is an entry in ClinVar:

NM_000064.4(C3):c.3313A>C (p.Lys1105Gln)

Gene: C3 (complement C3; minus strand). Cytogenetic location: 19p13.3.
Variant type: single nucleotide variant.
Coding change: c.3313A>C on transcript NM_000064.4 (MANE Select); coding-DNA position 3313, A replaced by C.
Protein change: p.Lys1105Gln; replaces lysine 1105 with glutamine.
Molecular consequence: missense variant.
Genome position (GRCh38, 1-based): chr19:6,693,001, T>G on the plus strand (A>C on the coding strand, the complement: C3 is on the minus strand). VCF-style: chr19-6693001-T-G. GRCh37 (hg19) VCF-style: chr19-6693012-T-G.
Other names: short protein forms K1105Q.
Identifiers: ClinVar variation 4280199 (VCV004280199.1).
Genomic context (GRCh38, chr19:6,693,001, plus strand): 5'-TCACGGGCGCATCCTCCTGGAAGACCCCGTCGGGCTTCTGCTTCTCCAGGATCAGCCATT[T>G]AACAGCCCCGCAGAGGACTTGGGAGTCGATGGCGATGAGGTTGACAGCCAGAGAGAAGAC-3'
Protein context (NP_000055.2, residues 1095-1115): IDSQVLCGAV[Lys1105Gln]WLILEKQKPD

ClinVar aggregate classification (germline): Uncertain significance (1 of 4 stars; one submission).

Conditions:
Atypical hemolytic-uremic syndrome. Identifiers: Orphanet 2134, MedGen C2931788, MONDO:0016244.

Submission:

Genomenon, Inc
Classification: Uncertain significance for Atypical hemolytic-uremic syndrome. Last evaluated: 2025-09-30. Review status: criteria provided, single submitter. Criteria: Genomenon Sequence Variant Interpretation Standards. Collection method: curation. Allele origin: germline. Affected: yes.
Comment: C3 p.Lys1105Gln (c.3313A>C) is a missense variant that changes the amino acid at residue 1105 from Lysine to Glutamine. This variant has been observed in at least one proband affected with atypical hemolytic-uremic syndrome (PMID:25951460;29556035). It is absent or not present at a significant frequency in gnomAD. In conclusion, we classify C3 p.Lys1105Gln (c.3313A>C) as a variant of unknown significance.

Literature cited by the submitters: PubMed 25951460; PubMed 29556035.